The following is an entry in ClinVar:

ClinVar aggregate classification (germline): Likely pathogenic. Review status: criteria provided, single submitter (1 of 4 stars). 2 submissions from 2 submitters: Likely pathogenic (1). 1 of the submissions does not count toward it. Last evaluated 2025-08-11.

Conditions:
Familial thoracic aortic aneurysm and aortic dissection (TAAD). Also called: Thoracic aortic aneurysms and dissections. Identifiers: Orphanet 91387, MedGen C4707243, MONDO:0019625.

Allele frequency attached by ClinVar (database versions not stated): TOPMed below 0.00001; gnomAD 0.00001.
gnomAD v4.1: 1 of 1,613,928 alleles (0.000062%); highest among the groups gnomAD compares: African/African-American, 0.0013%; no homozygotes.

Submissions (2):

GeneDx
Classification: Likely pathogenic. Last evaluated: 2025-08-11. Review status: criteria provided, single submitter. Criteria: GeneDx Variant Classification Process June 2021. Collection method: clinical testing. Allele origin: germline. Affected: yes.
Comment: Occurs in the triple helical domain and replaces the glycine in the canonical Gly-X-Y repeat; missense substitution of a canonical glycine residue is expected to disrupt normal protein folding and function, and this is an established mechanism of disease (HGMD); Not observed at significant frequency in large population cohorts (gnomAD); In silico analysis supports that this missense variant has a deleterious effect on protein structure/function; Reported in published literature in an individual with sporadic thoracic aortic aneurysm and dissection and in a patient with vascular EDS (PMID: 29543232, 35128800); This variant is associated with the following publications: (PMID: 29543232, 35128800)

Centre for Genomic and Experimental Medicine, University of Edinburgh
Classification: Likely pathogenic for Familial thoracic aortic aneurysm and aortic dissection. Review status: no assertion criteria provided. Collection method: research. Allele origin: unknown. Affected: yes. Not counted in ClinVar's aggregate classification.

NM_000090.4(COL3A1):c.1204G>A (p.Gly402Ser)

Gene: COL3A1 (collagen type III alpha 1 chain; plus strand). Cytogenetic location: 2q32.2.
Variant type: single nucleotide variant.
Coding change: c.1204G>A on transcript NM_000090.4 (MANE Select); coding-DNA position 1204, G replaced by A.
Protein change: p.Gly402Ser; replaces glycine 402 with serine.
Molecular consequence: missense variant.
Genome position (GRCh38, 1-based): chr2:188,994,243, G>A. VCF-style: chr2-188994243-G-A. GRCh37 (hg19) VCF-style: chr2-189858969-G-A.
Other names: short protein forms G402S.
Identifiers: ClinVar variation 424523 (VCV000424523.4), dbSNP rs1064797017, ClinGen allele CA16617389.